The following is an entry in ClinVar:

ClinVar aggregate classification (germline): Uncertain significance (1 of 4 stars; one submission).

Conditions:
Inborn genetic diseases. Identifiers: MedGen C0950123, MeSH D030342.

Allele frequency attached by ClinVar (database versions not stated): gnomAD exomes below 0.00001.
gnomAD v4.1: 2 of 1,316,190 alleles (0.00015%); highest among the groups gnomAD compares: Non-Finnish European, 0.00019%; no homozygotes.

Submission:

Ambry Genetics
Classification: Uncertain significance for Inborn genetic diseases. Last evaluated: 2023-11-01. Review status: criteria provided, single submitter. Criteria: Ambry Variant Classification Scheme 2023. Collection method: clinical testing. Allele origin: germline.
Comment: The p.P222S variant (also known as c.664C>T), located in coding exon 1 of the SMAD6 gene, results from a C to T substitution at nucleotide position 664. The proline at codon 222 is replaced by serine, an amino acid with similar properties. This amino acid position is conserved. In addition, the in silico prediction for this alteration is inconclusive. Since supporting evidence is limited at this time, the clinical significance of this alteration remains unclear.

NM_005585.5(SMAD6):c.664C>T (p.Pro222Ser)

Gene: SMAD6 (SMAD family member 6; plus strand). Cytogenetic location: 15q22.31.
Variant type: single nucleotide variant.
Coding change: c.664C>T on transcript NM_005585.5 (MANE Select); coding-DNA position 664, C replaced by T.
Protein change: p.Pro222Ser; replaces proline 222 with serine.
Molecular consequence: missense variant. On other transcripts: non-coding transcript variant (1).
Genome position (GRCh38, 1-based): chr15:66,703,922, C>T. VCF-style: chr15-66703922-C-T. GRCh37 (hg19) VCF-style: chr15-66996260-C-T.
Other names: short protein forms P222S.
Identifiers: ClinVar variation 3224802 (VCV003224802.1), dbSNP rs1595757355, ClinGen allele CA392949998.